The following is an entry in ClinVar:

NM_001148.6(ANK2):c.2900+5G>A

Gene: ANK2 (ankyrin 2; plus strand). Cytogenetic location: 4q26.
Variant type: single nucleotide variant.
Coding change: c.2900+5G>A on transcript NM_001148.6 (MANE Select); 5 bases into the intron after coding-DNA position 2900, G replaced by A.
Molecular consequence: intron variant.
Genome position (GRCh38, 1-based): chr4:113,318,625, G>A. VCF-style: chr4-113318625-G-A. GRCh37 (hg19) VCF-style: chr4-114239781-G-A.
Other names: c.2885+5G>A (NM_001386186.2, NM_001386148.2); c.2687+5G>A (NM_001354269.3); c.2864+5G>A (NM_001386187.2); c.2858+5G>A (NM_001386147.1, NM_001354261.2); c.2843+5G>A (NM_001386160.1); c.2849+5G>A (NM_001354254.2); c.2834+5G>A (NM_001354239.2, NM_001354252.2, NM_001354272.2 and 3 more transcripts); c.2837+5G>A (NM_001127493.3, NM_001386143.1, NM_001354243.2 and 3 more transcripts); and 17 more.
Identifiers: ClinVar variation 496109 (VCV000496109.1), dbSNP rs768275410, ClinGen allele CA3050699.

ClinVar aggregate classification (germline): Uncertain significance (1 of 4 stars; one submission).

Allele frequency attached by ClinVar (database versions not stated): ExAC 0.00001.

Submission:

Women's Health and Genetics/Laboratory Corporation of America, LabCorp
Classification: Uncertain significance. Last evaluated: 2017-03-06. Review status: criteria provided, single submitter. Criteria: LabCorp Variant Classification Summary - May 2015. Collection method: clinical testing. Allele origin: germline.
Comment: Variant summary: The ANK2 c.2900+5G>A variant involves the alteration of a conserved intronic nucleotide. Mutation Taster predicts a damaging outcome for this variant. 5/5 splice prediction tools predict this variant to have a significant effect on normal splicing. This variant was found in 1/85732 control chromosomes from ExAc at a frequency of 0.0000117, which is in similar range with that of the estimated maximal expected allele frequency of a pathogenic ANK2 variant (0.00001). The variant of interest has not, to our knowledge, been reported in affected individuals via publications and/or reputable databases/clinical diagnostic laboratories; nor evaluated for functional impact by in vivo/vitro studies. Because of the absence of clinical information and the lack of functional studies, the variant is classified as a variant of uncertain significance (VUS) until additional information becomes available.